The following is an entry in ClinVar:

ClinVar aggregate classification (germline): Uncertain significance (1 of 4 stars; one submission).

Submission:

GeneDx
Classification: Uncertain significance. Last evaluated: 2026-02-03. Review status: criteria provided, single submitter. Criteria: GeneDx Variant Classification Process June 2021. Collection method: clinical testing. Allele origin: germline.
Comment: Not observed at significant frequency in large population cohorts (gnomAD); In silico analysis suggests that this missense variant does not alter protein structure/function; Has not been previously published as pathogenic or benign to our knowledge

NM_001353694.2(TIAM1):c.3077G>T (p.Gly1026Val)

Gene: TIAM1 (TIAM Rac1 associated GEF 1; minus strand). Cytogenetic location: 21q22.11.
Variant type: single nucleotide variant.
Coding change: c.3077G>T on transcript NM_001353694.2 (MANE Select); coding-DNA position 3077, G replaced by T.
Protein change: p.Gly1026Val; replaces glycine 1026 with valine.
Molecular consequence: missense variant.
Genome position (GRCh38, 1-based): chr21:31,154,341, C>A on the plus strand (G>T on the coding strand, the complement: TIAM1 is on the minus strand). VCF-style: chr21-31154341-C-A. GRCh37 (hg19) VCF-style: chr21-32526659-C-A.
Other names: c.176G>T, p.Gly59Val (NM_001353684.2); c.101G>T, p.Gly34Val (NM_001353685.2); c.3002G>T, p.Gly1001Val (NM_001353686.2, NM_001353687.2); c.3077G>T, p.Gly1026Val (NM_001353688.1, NM_001353689.1, NM_001353690.1 and 4 more transcripts); short protein forms G1001V, G1026V, G34V, G59V.
Identifiers: ClinVar variation 4975787 (VCV004975787.1).